The following is an entry in ClinVar:

ClinVar aggregate classification (germline): Pathogenic (1 of 4 stars; one submission).

Conditions:
Myofibrillar myopathy 5. Also called: Filaminopathy (type); FILAMINOPATHY, AUTOSOMAL DOMINANT. Identifiers: Orphanet 171445, MedGen C1836050, MONDO:0012289, OMIM 609524.
Hypertrophic cardiomyopathy 26. Also called: Cardiomyopathy, familial hypertrophic, 26. Identifiers: Orphanet 75249, MedGen C4310749, MONDO:0014883, OMIM 617047.
Distal myopathy with posterior leg and anterior hand involvement. Also called: WILLIAMS DISTAL MYOPATHY. Identifiers: Orphanet 63273, MedGen C3279722, MONDO:0013550, OMIM 614065.

Submission:

Labcorp Genetics (formerly Invitae), Labcorp
Classification: Pathogenic for Distal myopathy with posterior leg and anterior hand involvement; Myofibrillar myopathy 5; Hypertrophic cardiomyopathy 26. Last evaluated: 2023-06-21. Review status: criteria provided, single submitter. Criteria: Invitae Variant Classification Sherloc (09022015). Collection method: clinical testing. Allele origin: germline.
Comment: For these reasons, this variant has been classified as Pathogenic. This variant has not been reported in the literature in individuals affected with FLNC-related conditions. This variant is not present in population databases (gnomAD no frequency). This sequence change creates a premature translational stop signal (p.Leu604Aspfs*17) in the FLNC gene. It is expected to result in an absent or disrupted protein product. Loss-of-function variants in FLNC are known to be pathogenic (PMID: 27908349).

Literature cited by the submitters: PubMed 27908349.

NM_001458.5(FLNC):c.1806_1809dup (p.Leu604fs)

Gene: FLNC (filamin C; plus strand). Cytogenetic location: 7q32.1.
Variant type: Duplication.
Coding change: c.1806_1809dup on transcript NM_001458.5 (MANE Select); coding-DNA positions 1806 to 1809, 4 bases duplicated (GACA; older notation c.1806_1809dupGACA).
Protein change: p.Leu604fs; shifts the reading frame from leucine 604.
Molecular consequence: frameshift variant.
Genome position (GRCh38, 1-based): chr7:128,840,963-128,840,966, GACA duplicated. VCF-style (leftmost placement, unchanged base first): chr7-128840962-G-GGACA. GRCh37 (hg19) VCF-style: chr7-128481016-G-GGACA.
Other names: c.1806_1809dup, p.Leu604fs (NM_001127487.2); short protein forms L604fs.
Identifiers: ClinVar variation 2945822 (VCV002945822.3), dbSNP rs2536627382, ClinGen allele CA2740097551.